The following is an entry in ClinVar:

ClinVar aggregate classification (germline): Uncertain significance (1 of 4 stars; one submission).

Allele frequency attached by ClinVar (database versions not stated): gnomAD exomes below 0.00001; TOPMed 0.00001.

Submission:

Labcorp Genetics (formerly Invitae), Labcorp
Classification: Uncertain significance. Last evaluated: 2022-07-12. Review status: criteria provided, single submitter. Criteria: Invitae Variant Classification Sherloc (09022015). Collection method: clinical testing. Allele origin: germline.
Comment: Algorithms developed to predict the effect of missense changes on protein structure and function are either unavailable or do not agree on the potential impact of this missense change (SIFT: "Tolerated"; PolyPhen-2: "Possibly Damaging"; Align-GVGD: "Class C0"). In summary, the available evidence is currently insufficient to determine the role of this variant in disease. Therefore, it has been classified as a Variant of Uncertain Significance. ClinVar contains an entry for this variant (Variation ID: 1517364). This variant has not been reported in the literature in individuals affected with GATA3-related conditions. This variant is not present in population databases (gnomAD no frequency). This sequence change replaces proline, which is neutral and non-polar, with serine, which is neutral and polar, at codon 165 of the GATA3 protein (p.Pro165Ser).

NM_001002295.2(GATA3):c.493C>T (p.Pro165Ser)

Gene: GATA3 (GATA binding protein 3; plus strand). Cytogenetic location: 10p14.
Variant type: single nucleotide variant.
Coding change: c.493C>T on transcript NM_001002295.2 (MANE Select); coding-DNA position 493, C replaced by T.
Protein change: p.Pro165Ser; replaces proline 165 with serine.
Molecular consequence: missense variant.
Genome position (GRCh38, 1-based): chr10:8,058,556, C>T. VCF-style: chr10-8058556-C-T. GRCh37 (hg19) VCF-style: chr10-8100519-C-T.
Other names: c.493C>T, p.Pro165Ser (NM_002051.3); short protein forms P165S.
Identifiers: ClinVar variation 1517364 (VCV001517364.8), dbSNP rs1358626878, ClinGen allele CA375968917.